The following is an entry in ClinVar:

NM_000875.5(IGF1R):c.2032A>G (p.Ile678Val)

Gene: IGF1R (insulin like growth factor 1 receptor; plus strand). Cytogenetic location: 15q26.3.
Variant type: single nucleotide variant.
Coding change: c.2032A>G on transcript NM_000875.5 (MANE Select); coding-DNA position 2032, A replaced by G.
Protein change: p.Ile678Val; replaces isoleucine 678 with valine.
Molecular consequence: missense variant.
Genome position (GRCh38, 1-based): chr15:98,916,707, A>G. VCF-style: chr15-98916707-A-G. GRCh37 (hg19) VCF-style: chr15-99459936-A-G.
Other names: c.2032A>G, p.Ile678Val (NM_001291858.2); short protein forms I678V.
Identifiers: ClinVar variation 2783925 (VCV002783925.3), dbSNP rs1427727457, ClinGen allele CA393680069.

ClinVar aggregate classification (germline): Uncertain significance (1 of 4 stars; one submission).

Allele frequency attached by ClinVar (database versions not stated): gnomAD exomes below 0.00001.
gnomAD v4.1: 5 of 1,614,090 alleles (0.00031%); highest among the groups gnomAD compares: Admixed American, 0.0017%; no homozygotes.

Submission:

Labcorp Genetics (formerly Invitae), Labcorp
Classification: Uncertain significance. Last evaluated: 2023-04-15. Review status: criteria provided, single submitter. Criteria: Invitae Variant Classification Sherloc (09022015). Collection method: clinical testing. Allele origin: germline.
Comment: In summary, the available evidence is currently insufficient to determine the role of this variant in disease. Therefore, it has been classified as a Variant of Uncertain Significance. This sequence change replaces isoleucine, which is neutral and non-polar, with valine, which is neutral and non-polar, at codon 678 of the IGF1R protein (p.Ile678Val). This variant is present in population databases (no rsID available, gnomAD 0.003%). This missense change has been observed in individual(s) with short stature (PMID: 32356191). Advanced modeling of protein sequence and biophysical properties (such as structural, functional, and spatial information, amino acid conservation, physicochemical variation, residue mobility, and thermodynamic stability) performed at Invitae indicates that this missense variant is not expected to disrupt IGF1R protein function.

Literature cited by the submitters: PubMed 32356191.